The following is an entry in ClinVar:

NM_005097.4(LGI1):c.401C>T (p.Thr134Ile)

Gene: LGI1 (leucine rich glioma inactivated 1; plus strand). Cytogenetic location: 10q23.33.
Variant type: single nucleotide variant.
Coding change: c.401C>T on transcript NM_005097.4 (MANE Select); coding-DNA position 401, C replaced by T.
Protein change: p.Thr134Ile; replaces threonine 134 with isoleucine.
Molecular consequence: missense variant. On other transcripts: intron variant (1).
Genome position (GRCh38, 1-based): chr10:93,777,587, C>T. VCF-style: chr10-93777587-C-T. GRCh37 (hg19) VCF-style: chr10-95537344-C-T.
Other names: c.401C>T, p.Thr134Ile (NM_001308275.2); c.288-12512C>T (NM_001308276.2); short protein forms T134I.
Identifiers: ClinVar variation 1041391 (VCV001041391.10), dbSNP rs2059806034, ClinGen allele CA377621068.

ClinVar aggregate classification (germline): Uncertain significance (1 of 4 stars; one submission).

Conditions:
Autosomal dominant epilepsy with auditory features. Identifiers: Orphanet 101046, MedGen C1838062, MONDO:0010898.

Allele frequency attached by ClinVar (database versions not stated): gnomAD exomes below 0.00001.
gnomAD v4.1: 1 of 1,613,400 alleles (0.000062%); highest among the groups gnomAD compares: Non-Finnish European, 0.000085%; no homozygotes.

Submission:

Labcorp Genetics (formerly Invitae), Labcorp
Classification: Uncertain significance for Autosomal dominant epilepsy with auditory features. Last evaluated: 2020-07-21. Review status: criteria provided, single submitter. Criteria: Invitae Variant Classification Sherloc (09022015). Collection method: clinical testing. Allele origin: germline.
Comment: In summary, the available evidence is currently insufficient to determine the role of this variant in disease. Therefore, it has been classified as a Variant of Uncertain Significance. Algorithms developed to predict the effect of missense changes on protein structure and function are either unavailable or do not agree on the potential impact of this missense change (SIFT: "Tolerated"; PolyPhen-2: "Possibly Damaging"; Align-GVGD: "Class C0"). This variant has not been reported in the literature in individuals with LGI1-related conditions. This variant is not present in population databases (ExAC no frequency). This sequence change replaces threonine with isoleucine at codon 134 of the LGI1 protein (p.Thr134Ile). The threonine residue is moderately conserved and there is a moderate physicochemical difference between threonine and isoleucine.